The following is an entry in ClinVar:

NM_000492.4(CFTR):c.419C>T (p.Pro140Leu)

Gene: CFTR (CF transmembrane conductance regulator; plus strand). Cytogenetic location: 7q31.2.
Variant type: single nucleotide variant.
Coding change: c.419C>T on transcript NM_000492.4 (MANE Select); coding-DNA position 419, C replaced by T.
Protein change: p.Pro140Leu; replaces proline 140 with leucine.
Molecular consequence: missense variant.
Genome position (GRCh38, 1-based): chr7:117,531,044, C>T. VCF-style: chr7-117531044-C-T. GRCh37 (hg19) VCF-style: chr7-117171098-C-T.
Other names: short protein forms P140L.
Identifiers: ClinVar variation 53916 (VCV000053916.9), dbSNP rs397508694, ClinGen allele CA327444.

ClinVar aggregate classification (germline): Uncertain significance. Review status: criteria provided, single submitter (1 of 4 stars). 2 submissions from 2 submitters: Uncertain significance (1). 1 of the submissions does not count toward it. Last evaluated 2019-02-27.

Conditions:
CFTR-related disorder (CFTR-RD). Also called: CFTR-related disorders; CFTR-related condition. Identifiers: MedGen C5924204, MONDO:7770004.
Cystic fibrosis (CF). Also called: MUCOVISCIDOSIS. Identifiers: Orphanet 586, MedGen C0010674, MONDO:0009061, OMIM 219700. Disease mechanism: loss of function.

Submissions (2):

Labcorp Genetics (formerly Invitae), Labcorp
Classification: Uncertain significance for Cystic fibrosis. Last evaluated: 2019-02-27. Review status: criteria provided, single submitter. Criteria: Invitae Variant Classification Sherloc (09022015). Collection method: clinical testing. Allele origin: germline.
Comment: Experimental studies have shown that this variant does not affect mRNA splicing (PMID: 23420618). This variant is not present in population databases (ExAC no frequency). This variant has not been reported in the literature in individuals with CFTR-related conditions. Algorithms developed to predict the effect of missense changes on protein structure and function are either unavailable or do not agree on the potential impact of this missense change (SIFT: "Deleterious"; PolyPhen-2: "Benign"; Align-GVGD: "Class C0"). In summary, the available evidence is currently insufficient to determine the role of this variant in disease. Therefore, it has been classified as a Variant of Uncertain Significance. This sequence change replaces proline with leucine at codon 140 of the CFTR protein (p.Pro140Leu). The proline residue is highly conserved and there is a moderate physicochemical difference between proline and leucine.

Natera, Inc.
Classification: Uncertain significance for CFTR-related disorders. Last evaluated: 2025-01-06. Review status: no assertion criteria provided. Collection method: clinical testing. Allele origin: germline. Not counted in ClinVar's aggregate classification.

Literature cited by the submitters: PubMed 23420618 (cited by Labcorp Genetics (formerly Invitae), Labcorp).